The following is an entry in ClinVar:

NC_000006.11:g.(?_35277427)_(35289187_?)del

Gene: DEF6 (DEF6 guanine nucleotide exchange factor; plus strand). Cytogenetic location: 6p21.31.
Variant type: Deletion.
Identifiers: ClinVar variation 1450126 (VCV001450126.6).

ClinVar aggregate classification (germline): Uncertain significance (1 of 4 stars; one submission).

Submission:

Labcorp Genetics (formerly Invitae), Labcorp
Classification: Uncertain significance. Last evaluated: 2021-07-14. Review status: criteria provided, single submitter. Criteria: Invitae Variant Classification Sherloc (09022015). Collection method: clinical testing. Allele origin: germline.
Comment: This variant is a gross deletion of the genomic region encompassing exon(s) 2-11 of the DEF6 gene. The 5' boundary is likely confined to intron 1. The 3' end of this event is unknown as it extends through the termination codon beyond the assayed region for this gene and may encompass additional genes. While this deletion is not anticipated to lead to nonsense mediated decay, it is expected to alter mRNA translation or result in a truncated protein product. This variant has not been reported in the literature in individuals with DEF6-related conditions. Experimental studies and prediction algorithms are not available or were not evaluated, and the functional significance of this variant is currently unknown. In summary, the available evidence is currently insufficient to determine the role of this variant in disease. Therefore, it has been classified as a Variant of Uncertain Significance.